The following is an entry in ClinVar:

NM_000059.4(BRCA2):c.6841+1029A>G

Gene: BRCA2 (BRCA2 DNA repair associated; plus strand). Cytogenetic location: 13q13.1.
Variant type: single nucleotide variant.
Coding change: c.6841+1029A>G on transcript NM_000059.4 (MANE Select); 1029 bases into the intron after coding-DNA position 6841, A replaced by G.
Molecular consequence: intron variant.
Genome position (GRCh38, 1-based): chr13:32,342,225, A>G. VCF-style: chr13-32342225-A-G. GRCh37 (hg19) VCF-style: chr13-32916362-A-G.
Other names: IVS 11+1029A>G.
Identifiers: ClinVar variation 209696 (VCV000209696.1), dbSNP rs150018865, ClinGen allele CA276664.

ClinVar aggregate classification (germline): Benign (3 of 4 stars; one submission).

Conditions:
Breast-ovarian cancer, familial, susceptibility to, 2 (BROVCA2). Also called: BRCA2 Hereditary Breast and Ovarian Cancer. Identifiers: Orphanet 145, MedGen C2675520, MONDO:0012933, OMIM 612555. Disease mechanism: loss of function.

Allele frequency attached by ClinVar (database versions not stated): gnomAD 0.00645 and 0.00687; 1000 Genomes Project 0.00719; TOPMed 0.00724; 1000 Genomes Project 30x 0.00859.
gnomAD v4.1: 966 of 151,316 alleles (0.64%); highest among the groups gnomAD compares: African/African-American, 2.3%; 7 homozygotes.

Submission:

Evidence-based Network for the Interpretation of Germline Mutant Alleles (ENIGMA)
Classification: Benign for Breast-ovarian cancer, familial 2. Last evaluated: 2015-01-12. Review status: reviewed by expert panel. Criteria: ENIGMA BRCA1/2 Classification Criteria (2015). Collection method: curation. Allele origin: germline.
Comment: Class 1 not pathogenic based on frequency >1% in an outbred sampleset. Frequency 0.02642 (African), derived from 1000 genomes (2012-04-30).